The following is an entry in ClinVar:

NM_198334.3(GANAB):c.146G>A (p.Arg49Gln)

Gene: GANAB (glucosidase II alpha subunit; minus strand). Cytogenetic location: 11q12.3.
Variant type: single nucleotide variant.
Coding change: c.146G>A on transcript NM_198334.3 (MANE Select); coding-DNA position 146, G replaced by A.
Protein change: p.Arg49Gln; replaces arginine 49 with glutamine.
Molecular consequence: missense variant. On other transcripts: 5 prime UTR variant (4), intron variant (3).
Genome position (GRCh38, 1-based): chr11:62,639,465, C>T on the plus strand (G>A on the coding strand, the complement: GANAB is on the minus strand). VCF-style: chr11-62639465-C-T. GRCh37 (hg19) VCF-style: chr11-62406937-C-T.
Other names: c.-146G>A (NM_001329222.2, NM_001329223.2); c.-631G>A (NM_001329224.2, NM_001329225.2); c.146G>A, p.Arg49Gln (NM_198335.4); c.39-4465G>A (NM_001278193.2, NM_001278192.2); c.-40+162G>A (NM_001278194.2); short protein forms R49Q.
Identifiers: ClinVar variation 2976411 (VCV002976411.3), dbSNP rs778250938, ClinGen allele CA6051197.

ClinVar aggregate classification (germline): Uncertain significance (1 of 4 stars; one submission).

Allele frequency attached by ClinVar (database versions not stated): TOPMed below 0.00001; gnomAD 0.00001; gnomAD exomes 0.00001; ExAC 0.00003.

Submission:

Labcorp Genetics (formerly Invitae), Labcorp
Classification: Uncertain significance. Last evaluated: 2023-09-08. Review status: criteria provided, single submitter. Criteria: Invitae Variant Classification Sherloc (09022015). Collection method: clinical testing. Allele origin: germline.
Comment: This sequence change replaces arginine, which is basic and polar, with glutamine, which is neutral and polar, at codon 49 of the GANAB protein (p.Arg49Gln). This variant is present in population databases (rs778250938, gnomAD 0.009%). This variant has not been reported in the literature in individuals affected with GANAB-related conditions. An algorithm developed to predict the effect of missense changes on protein structure and function (PolyPhen-2) suggests that this variant is likely to be disruptive. In summary, the available evidence is currently insufficient to determine the role of this variant in disease. Therefore, it has been classified as a Variant of Uncertain Significance.